The following is an entry in ClinVar:

ClinVar aggregate classification (germline): Conflicting classifications of pathogenicity. Review status: criteria provided, conflicting classifications (1 of 4 stars). 3 submissions from 3 submitters: Uncertain significance (2); Likely benign (1). Last evaluated 2025-08-22.

Conditions:
Inborn genetic diseases. Identifiers: MedGen C0950123, MeSH D030342.

Allele frequency attached by ClinVar (database versions not stated): ExAC 0.00051.
gnomAD v4.1: 45 of 1,475,862 alleles (0.003%); highest among the groups gnomAD compares: South Asian, 0.056%; no homozygotes.

Submissions (3):

GeneDx
Classification: Uncertain significance. Last evaluated: 2025-08-22. Review status: criteria provided, single submitter. Criteria: GeneDx Variant Classification Process June 2021. Collection method: clinical testing. Allele origin: germline.
Comment: In silico analysis suggests that this missense variant does not alter protein structure/function; Has not been previously published as pathogenic or benign to our knowledge

Labcorp Genetics (formerly Invitae), Labcorp
Classification: Likely benign. Last evaluated: 2024-02-25. Review status: criteria provided, single submitter. Criteria: Invitae Variant Classification Sherloc (09022015). Collection method: clinical testing. Allele origin: germline.

Ambry Genetics
Classification: Uncertain significance for Inborn genetic diseases. Last evaluated: 2021-10-20. Review status: criteria provided, single submitter. Criteria: Ambry Variant Classification Scheme 2023. Collection method: clinical testing. Allele origin: germline.

NM_016239.4(MYO15A):c.1931C>A (p.Pro644Gln)

Gene: MYO15A (myosin XVA; plus strand). Cytogenetic location: 17p11.2.
Variant type: single nucleotide variant.
Coding change: c.1931C>A on transcript NM_016239.4 (MANE Select); coding-DNA position 1931, C replaced by A.
Protein change: p.Pro644Gln; replaces proline 644 with glutamine.
Molecular consequence: missense variant.
Genome position (GRCh38, 1-based): chr17:18,120,731, C>A. VCF-style: chr17-18120731-C-A. GRCh37 (hg19) VCF-style: chr17-18024045-C-A.
Other names: c.1931C>A (NM_016239.3); short protein forms P644Q.
Identifiers: ClinVar variation 2725632 (VCV002725632.6), dbSNP rs746737801, ClinGen allele CA8423215.